The following is an entry in ClinVar:

NM_000179.3(MSH6):c.3355del (p.Glu1119fs)

Gene: MSH6 (mutS homolog 6; plus strand). Cytogenetic location: 2p16.3.
Variant type: Deletion.
Coding change: c.3355del on transcript NM_000179.3 (MANE Select); coding-DNA position 3355, one base deleted (G; older notation c.3355delG).
Protein change: p.Glu1119fs; shifts the reading frame from glutamic acid 1119.
Molecular consequence: frameshift variant.
Genome position (GRCh38, 1-based): chr2:47,803,602, G deleted; the last of 2 consecutive G bases (chr2:47,803,601-47,803,602); deleting either gives the same sequence. VCF-style (leftmost placement, unchanged base first): chr2-47803600-AG-A. GRCh37 (hg19) VCF-style: chr2-48030739-AG-A.
Other names: c.3058delG, p.Glu1020Lysfs (NM_001406822.1, NM_001406824.1, NM_001406825.1 and 10 more transcripts); c.2449delG, p.Glu817Lysfs (NM_001406823.1, NM_001406811.1, NM_001406812.1 and 4 more transcripts); c.3187delG, p.Glu1063Lysfs (NM_001406826.1); c.2965del, p.Glu989fs (NM_001281492.2); c.2449del, p.Glu817fs (NM_001281493.2, NM_001281494.2); c.3451delG, p.Glu1151Lysfs (NM_001406795.1, NM_001406802.1); c.3355delG, p.Glu1119Lysfs (NM_001406796.1, NM_001406800.1, NM_001406808.1 and 1 more transcripts); c.3181delG, p.Glu1061Lysfs (NM_001406798.1); and 8 more; short protein forms E817fs, E1119fs, E989fs.
Identifiers: ClinVar variation 1730544 (VCV001730544.3), dbSNP rs2530770680, ClinGen allele CA2580067070.

ClinVar aggregate classification (germline): Pathogenic. Review status: criteria provided, multiple submitters, no conflicts (2 of 4 stars). 2 submissions from 2 submitters: Pathogenic (2). Last evaluated 2023-08-22.

Conditions:
Hereditary cancer-predisposing syndrome. Also called: Neoplastic Syndromes, Hereditary; Tumor predisposition; Hereditary Cancer Syndrome; Hereditary neoplastic syndrome. Identifiers: Orphanet 140162, MedGen C0027672, MeSH D009386, MONDO:0015356.
Lynch syndrome 5 (LYNCH5). Also called: Hereditary non-polyposis colorectal cancer, type 5; Colorectal cancer, hereditary nonpolyposis, type 5. Identifiers: Orphanet 144, MedGen C1833477, MONDO:0013710, OMIM 614350. Disease mechanism: loss of function.

Submissions (2):

Myriad Genetics, Inc.
Classification: Pathogenic for Lynch syndrome 5. Last evaluated: 2023-08-22. Review status: criteria provided, single submitter. Criteria: Myriad Autosomal Dominant, Autosomal Recessive and X-Linked Classification Criteria (2023). Collection method: clinical testing. Allele origin: unknown.
Comment: This variant is considered pathogenic. This variant creates a frameshift predicted to result in premature protein truncation.

Ambry Genetics
Classification: Pathogenic for Hereditary cancer-predisposing syndrome. Last evaluated: 2019-05-17. Review status: criteria provided, single submitter. Criteria: Ambry Variant Classification Scheme 2023. Collection method: clinical testing. Allele origin: germline.
Comment: The c.3355delG pathogenic mutation, located in coding exon 5 of the MSH6 gene, results from a deletion of one nucleotide at nucleotide position 3355, causing a translational frameshift with a predicted alternate stop codon (p.E1119Kfs*26). This alteration is expected to result in loss of function by premature protein truncation or nonsense-mediated mRNA decay. As such, this alteration is interpreted as a disease-causing mutation.